The following is an entry in ClinVar:

ClinVar aggregate classification (germline): Uncertain significance (1 of 4 stars; one submission).

Conditions:
Bardet-Biedl syndrome 16 (BBS16). Identifiers: Orphanet 110, MedGen C3889474, MONDO:0014444, OMIM 615993.
Senior-Loken syndrome 7 (SLSN7). Identifiers: Orphanet 3156, MedGen C3150877, MONDO:0013326, OMIM 613615.

Allele frequency attached by ClinVar (database versions not stated): gnomAD exomes below 0.00001.
gnomAD v4.1: 6 of 1,614,018 alleles (0.00037%); highest among the groups gnomAD compares: African/African-American, 0.0013%; no homozygotes.

Submission:

Labcorp Genetics (formerly Invitae), Labcorp
Classification: Uncertain significance for Bardet-Biedl syndrome 16; Senior-Loken syndrome 7. Last evaluated: 2026-01-05. Review status: criteria provided, single submitter. Criteria: Invitae Variant Classification Sherloc (09022015). Collection method: clinical testing. Allele origin: germline.
Comment: This sequence change replaces histidine, which is basic and polar, with proline, which is neutral and non-polar, at codon 186 of the SDCCAG8 protein (p.His186Pro). This variant is not present in population databases (gnomAD no frequency). This variant has not been reported in the literature in individuals affected with SDCCAG8-related conditions. ClinVar contains an entry for this variant (Variation ID: 2418220). Invitae Evidence Modeling of protein sequence and biophysical properties (such as structural, functional, and spatial information, amino acid conservation, physicochemical variation, residue mobility, and thermodynamic stability) indicates that this missense variant is not expected to disrupt SDCCAG8 protein function with a negative predictive value of 80%. In summary, the available evidence is currently insufficient to determine the role of this variant in disease. Therefore, it has been classified as a Variant of Uncertain Significance.

NM_006642.5(SDCCAG8):c.557A>C (p.His186Pro)

Gene: SDCCAG8 (SHH signaling and ciliogenesis regulator SDCCAG8; plus strand). Cytogenetic location: 1q43.
Variant type: single nucleotide variant.
Coding change: c.557A>C on transcript NM_006642.5 (MANE Select); coding-DNA position 557, A replaced by C.
Protein change: p.His186Pro; replaces histidine 186 with proline.
Molecular consequence: missense variant. On other transcripts: 5 prime UTR variant (3).
Genome position (GRCh38, 1-based): chr1:243,293,101, A>C. VCF-style: chr1-243293101-A-C. GRCh37 (hg19) VCF-style: chr1-243456403-A-C.
Other names: c.-556A>C (NM_001350246.2); c.-444A>C (NM_001350247.2); c.557A>C, p.His186Pro (NM_001350248.2); c.263A>C, p.His88Pro (NM_001350249.2); c.-817A>C (NM_001350251.2); short protein forms H186P, H88P.
Identifiers: ClinVar variation 2418220 (VCV002418220.6), dbSNP rs144254594, ClinGen allele CA40423956.
Genomic context (GRCh38, chr1:243,293,101, plus strand): 5'-GTTTATTTAAAGTTGAATTCAGTTGCAGTTACTGGCACATTTTATTTTAGGGAAACATGC[A>C]CAATTCTTGGATTACAACAGGTGAAGATTCTGGGGTGGGCGAAACCTCCAAAAGACCATT-3'
Protein context (NP_006633.1, residues 176-196): QTLLDASGNM[His186Pro]NSWITTGEDS